The following is an entry in ClinVar:

ClinVar aggregate classification (germline): Uncertain significance. Review status: criteria provided, multiple submitters, no conflicts (2 of 4 stars). 3 submissions from 3 submitters: Uncertain significance (3). Last evaluated 2023-10-31.

Conditions:
Congenital stationary night blindness 1D. Also called: Night blindness, congenital stationary (complete), 1D, autosomal recessive. Identifiers: Orphanet 215, MedGen C3151193, MONDO:0013450, OMIM 613830.

Allele frequency attached by ClinVar (database versions not stated): gnomAD 0.00002; gnomAD exomes 0.00002 and 0.00006; TOPMed 0.00003; ExAC 0.00008.
gnomAD v4.1: 40 of 1,613,814 alleles (0.0025%); highest among the groups gnomAD compares: South Asian, 0.027%; no homozygotes.

Submissions (3):

Blueprint Genetics
Classification: Uncertain significance. Last evaluated: 2023-10-31. Review status: criteria provided, single submitter. Criteria: ACMG Guidelines, 2015. Collection method: clinical testing. Allele origin: germline.

Labcorp Genetics (formerly Invitae), Labcorp
Classification: Uncertain significance. Last evaluated: 2022-05-01. Review status: criteria provided, single submitter. Criteria: Invitae Variant Classification Sherloc (09022015). Collection method: clinical testing. Allele origin: germline.
Comment: This sequence change replaces alanine, which is neutral and non-polar, with valine, which is neutral and non-polar, at codon 1060 of the SLC24A1 protein (p.Ala1060Val). This variant is present in population databases (rs760183851, gnomAD 0.05%). This variant has not been reported in the literature in individuals affected with SLC24A1-related conditions. ClinVar contains an entry for this variant (Variation ID: 887766). Algorithms developed to predict the effect of missense changes on protein structure and function (SIFT, PolyPhen-2, Align-GVGD) all suggest that this variant is likely to be disruptive. In summary, the available evidence is currently insufficient to determine the role of this variant in disease. Therefore, it has been classified as a Variant of Uncertain Significance.

Illumina Laboratory Services, Illumina
Classification: Uncertain significance for Congenital stationary night blindness 1D. Last evaluated: 2018-01-12. Review status: criteria provided, single submitter. Criteria: ICSL Variant Classification Criteria 13 December 2019. Collection method: clinical testing. Allele origin: germline.

NM_004727.3(SLC24A1):c.3179C>T (p.Ala1060Val)

Gene: SLC24A1 (solute carrier family 24 member 1; plus strand). Cytogenetic location: 15q22.31.
Variant type: single nucleotide variant.
Coding change: c.3179C>T on transcript NM_004727.3 (MANE Select); coding-DNA position 3179, C replaced by T.
Protein change: p.Ala1060Val; replaces alanine 1060 with valine.
Molecular consequence: missense variant. On other transcripts: intron variant (1).
Genome position (GRCh38, 1-based): chr15:65,653,958, C>T. VCF-style: chr15-65653958-C-T. GRCh37 (hg19) VCF-style: chr15-65946296-C-T.
Other names: c.1160C>T, p.Ala387Val (NM_001254740.2); c.3089C>T, p.Ala1030Val (NM_001301031.1); c.3125C>T, p.Ala1042Val (NM_001301032.1); c.2996+1150C>T (NM_001301033.2); short protein forms A387V, A1060V, A1030V, A1042V.
Identifiers: ClinVar variation 887766 (VCV000887766.6), dbSNP rs760183851, ClinGen allele CA7620332.